The following is an entry in ClinVar:

ClinVar aggregate classification (germline): Pathogenic/Likely pathogenic. Review status: criteria provided, multiple submitters, no conflicts (2 of 4 stars). 4 submissions from 4 submitters: Pathogenic (3); Likely pathogenic (1). Last evaluated 2026-01-16.

Conditions:
ATP2A1-related disorder. Also called: ATP2A1-related condition.
Brody myopathy. Also called: BRODY DISEASE. Identifiers: Orphanet 53347, MedGen C1832918, MONDO:0010977, OMIM 601003.

Allele frequency attached by ClinVar (database versions not stated): gnomAD exomes below 0.00001; TOPMed 0.00001; gnomAD 0.00002.

Submissions (4):

Labcorp Genetics (formerly Invitae), Labcorp
Classification: Pathogenic for Brody myopathy. Last evaluated: 2026-01-16. Review status: criteria provided, single submitter. Criteria: Invitae Variant Classification Sherloc (09022015). Collection method: clinical testing. Allele origin: germline.
Comment: This sequence change creates a premature translational stop signal (p.Arg164*) in the ATP2A1 gene. It is expected to result in an absent or disrupted protein product. Loss-of-function variants in ATP2A1 are known to be pathogenic (PMID: 8841193, 10914677, 23911890). The frequency data for this variant in the population databases is considered unreliable, as metrics indicate poor data quality at this position in the gnomAD database. This variant has not been reported in the literature in individuals affected with ATP2A1-related conditions. ClinVar contains an entry for this variant (Variation ID: 854514). For these reasons, this variant has been classified as Pathogenic.

Blueprint Genetics
Classification: Likely pathogenic for ATP2A1-related disorders. Last evaluated: 2019-10-10. Review status: criteria provided, single submitter. Criteria: ACMG Guidelines, 2015. Collection method: clinical testing. Allele origin: germline. Affected: yes. Observed: 1 variant allele.

Baylor Genetics
Classification: Pathogenic for Brody myopathy. Last evaluated: 2018-05-17. Review status: criteria provided, single submitter. Criteria: ACMG Guidelines, 2015. Collection method: clinical testing. Allele origin: unknown. Affected: yes.
Comment: This variant was determined to be pathogenic according to ACMG Guidelines, 2015 [PMID:25741868].

Juno Genomics, Hangzhou Juno Genomics, Inc
Classification: Pathogenic for Brody myopathy. Review status: criteria provided, single submitter. Criteria: ACMG Guidelines, 2015. Collection method: clinical testing. Allele origin: germline.
Comment: Absent from controls (or at extremely low frequency if recessive) in Genome Aggregation Database.;Null variant in a gene where loss of function (LOF) is a known mechanism of disease.;For recessive disorders, detected in trans with a pathogenic variant.

Literature cited by the submitters: PubMed 8841193 (cited by Labcorp Genetics (formerly Invitae), Labcorp); PubMed 10914677 (cited by Labcorp Genetics (formerly Invitae), Labcorp); PubMed 23911890 (cited by Labcorp Genetics (formerly Invitae), Labcorp).

NM_004320.6(ATP2A1):c.490C>T (p.Arg164Ter)

Gene: ATP2A1 (ATPase sarcoplasmic/endoplasmic reticulum Ca2+ transporting 1; plus strand). Cytogenetic location: 16p11.2.
Variant type: single nucleotide variant.
Coding change: c.490C>T on transcript NM_004320.6 (MANE Select); coding-DNA position 490, C replaced by T.
Protein change: p.Arg164Ter; replaces arginine 164 with a stop codon.
Molecular consequence: nonsense.
Genome position (GRCh38, 1-based): chr16:28,884,601, C>T. VCF-style: chr16-28884601-C-T. GRCh37 (hg19) VCF-style: chr16-28895922-C-T.
Other names: c.115C>T, p.Arg39Ter (NM_001286075.2); c.490C>T, p.Arg164Ter (NM_173201.5); short protein forms R164*, R39*.
Identifiers: ClinVar variation 854514 (VCV000854514.12), dbSNP rs1024976181, ClinGen allele CA279228852.